The following is an entry in ClinVar:

ClinVar aggregate classification (germline): Likely pathogenic (1 of 4 stars; one submission).

Submission:

Labcorp Genetics (formerly Invitae), Labcorp
Classification: Likely pathogenic. Last evaluated: 2023-10-14. Review status: criteria provided, single submitter. Criteria: Invitae Variant Classification Sherloc (09022015). Collection method: clinical testing. Allele origin: germline.
Comment: This sequence change affects a splice site in intron 37 of the LOXHD1 gene. It is expected to disrupt RNA splicing. Variants that disrupt the donor or acceptor splice site typically lead to a loss of protein function (PMID: 16199547), and loss-of-function variants in LOXHD1 are known to be pathogenic (PMID: 19732867, 21465660, 25792669). This variant is not present in population databases (gnomAD no frequency). This variant has not been reported in the literature in individuals affected with LOXHD1-related conditions. Algorithms developed to predict the effect of sequence changes on RNA splicing suggest that this variant may disrupt the consensus splice site. In summary, the currently available evidence indicates that the variant is pathogenic, but additional data are needed to prove that conclusively. Therefore, this variant has been classified as Likely Pathogenic.

Literature cited by the submitters: PubMed 16199547; PubMed 19732867; PubMed 21465660; PubMed 25792669.

NM_001384474.1(LOXHD1):c.6049+1del

Gene: LOXHD1 (lipoxygenase homology PLAT domains 1; minus strand). Cytogenetic location: 18q21.1.
Variant type: Deletion.
Coding change: c.6049+1del on transcript NM_001384474.1 (MANE Select); the canonical splice donor site of the intron after coding-DNA position 6049, one base deleted (G; older notation c.6049+1delG).
Molecular consequence: splice donor variant.
Genome position (GRCh38, 1-based): chr18:46,488,971, C deleted on the plus strand (G on the coding strand, the reverse complement: LOXHD1 is on the minus strand). VCF-style (leftmost placement, unchanged base first): chr18-46488970-AC-A. GRCh37 (hg19) VCF-style: chr18-44068933-AC-A.
Other names: c.2716+1del (NM_001145472.3); c.2428+1del (NM_001308013.2); c.766+1del (NM_001173129.2, NM_001145473.3); c.5863+1del (NM_144612.7).
Identifiers: ClinVar variation 2768320 (VCV002768320.3), dbSNP rs2511395868, ClinGen allele CA2697555428.